The following is an entry in ClinVar:

ClinVar aggregate classification (germline): Pathogenic (1 of 4 stars; one submission).

Conditions:
RYR1-related disorder. Also called: RYR1-related condition; RYR1-related disorders. Identifiers: MedGen CN239331.

Submission:

Labcorp Genetics (formerly Invitae), Labcorp
Classification: Pathogenic for RYR1-related disorder. Last evaluated: 2023-09-28. Review status: criteria provided, single submitter. Criteria: Invitae Variant Classification Sherloc (09022015). Collection method: clinical testing. Allele origin: germline.
Comment: For these reasons, this variant has been classified as Pathogenic. Algorithms developed to predict the effect of sequence changes on RNA splicing suggest that this variant may disrupt the consensus splice site. This variant has not been reported in the literature in individuals affected with RYR1-related conditions. This variant is not present in population databases (gnomAD no frequency). This sequence change creates a premature translational stop signal (p.Val1256Tyrfs*16) in the RYR1 gene. It is expected to result in an absent or disrupted protein product. Loss-of-function variants in RYR1 are known to be pathogenic (PMID: 23919265, 25960145, 28818389, 30611313).

Literature cited by the submitters: PubMed 23919265; PubMed 25960145; PubMed 28818389; PubMed 30611313.

NC_000019.10:g.38473377del

Gene: RYR1 (ryanodine receptor 1; plus strand). Cytogenetic location: 19q13.2.
Variant type: Deletion.
Genome position: GRCh38 VCF-style: chr19-38473375-AG-A. GRCh37 (hg19) VCF-style: chr19-38964015-AG-A.
Identifiers: ClinVar variation 3024063 (VCV003024063.3), dbSNP rs2514143868, ClinGen allele CA2584896601.